The following is an entry in ClinVar:

NM_000562.3(C8A):c.1546A>T (p.Arg516Trp)

Gene: C8A (complement C8 alpha chain; plus strand). Cytogenetic location: 1p32.2.
Variant type: single nucleotide variant.
Coding change: c.1546A>T on transcript NM_000562.3 (MANE Select); coding-DNA position 1546, A replaced by T.
Protein change: p.Arg516Trp; replaces arginine 516 with tryptophan.
Molecular consequence: missense variant.
Genome position (GRCh38, 1-based): chr1:56,912,568, A>T. VCF-style: chr1-56912568-A-T. GRCh37 (hg19) VCF-style: chr1-57378241-A-T.
Other names: short protein forms R516W.
Identifiers: ClinVar variation 2074491 (VCV002074491.3), dbSNP rs371318053, ClinGen allele CA875423.

ClinVar aggregate classification (germline): Uncertain significance. Review status: criteria provided, multiple submitters, no conflicts (2 of 4 stars). 2 submissions from 2 submitters: Uncertain significance (2). Last evaluated 2025-10-01.

Allele frequency attached by ClinVar (database versions not stated): ExAC 0.00002; gnomAD 0.00007; ESP Exome Variant Server 0.00008; gnomAD exomes below 0.00001.
gnomAD v4.1: 18 of 1,614,106 alleles (0.0011%); highest among the groups gnomAD compares: African/African-American, 0.024%; no homozygotes.

Submissions (2):

Ambry Genetics
Classification: Uncertain significance. Last evaluated: 2025-10-01. Review status: criteria provided, single submitter. Criteria: Ambry Variant Classification Scheme 2023. Collection method: clinical testing. Allele origin: germline.

Labcorp Genetics (formerly Invitae), Labcorp
Classification: Uncertain significance. Last evaluated: 2022-08-19. Review status: criteria provided, single submitter. Criteria: Invitae Variant Classification Sherloc (09022015). Collection method: clinical testing. Allele origin: germline.
Comment: Algorithms developed to predict the effect of missense changes on protein structure and function are either unavailable or do not agree on the potential impact of this missense change (SIFT: "Deleterious"; PolyPhen-2: "Possibly Damaging"; Align-GVGD: "Class C0"). In summary, the available evidence is currently insufficient to determine the role of this variant in disease. Therefore, it has been classified as a Variant of Uncertain Significance. This variant has not been reported in the literature in individuals affected with C8A-related conditions. This variant is present in population databases (rs371318053, gnomAD 0.04%). This sequence change replaces arginine, which is basic and polar, with tryptophan, which is neutral and slightly polar, at codon 516 of the C8A protein (p.Arg516Trp).